The following is an entry in ClinVar:

NM_181078.3(IL21R):c.1316G>A (p.Gly439Glu)

Genes: IL21R-AS1 (IL21R antisense RNA 1; minus strand), IL21R (interleukin 21 receptor; plus strand). Cytogenetic location: 16p12.1.
Variant type: single nucleotide variant.
Coding change: c.1316G>A on transcript NM_181078.3 (MANE Select); coding-DNA position 1316, G replaced by A.
Protein change: p.Gly439Glu; replaces glycine 439 with glutamic acid.
Molecular consequence: missense variant. On other transcripts: non-coding transcript variant (1).
Genome position (GRCh38, 1-based): chr16:27,448,982, G>A. VCF-style: chr16-27448982-G-A. GRCh37 (hg19) VCF-style: chr16-27460303-G-A.
Other names: c.1316G>A, p.Gly439Glu (NM_021798.4); c.1382G>A, p.Gly461Glu (NM_181079.5); short protein forms G439E, G461E.
Identifiers: ClinVar variation 956545 (VCV000956545.10), dbSNP rs199542730, ClinGen allele CA7975184.

ClinVar aggregate classification (germline): Uncertain significance (1 of 4 stars; one submission).

Conditions:
Cryptosporidiosis-chronic cholangitis-liver disease syndrome. Also called: Immunodeficiency type 56; IL21R immunodeficiency. Identifiers: Orphanet 357329, MedGen C3554687, MONDO:0014082, OMIM 615207.

Allele frequency attached by ClinVar (database versions not stated): TOPMed 0.00002.
gnomAD v4.1: 19 of 1,612,886 alleles (0.0012%); highest among the groups gnomAD compares: Middle Eastern, 0.033%; no homozygotes.

Submission:

Labcorp Genetics (formerly Invitae), Labcorp
Classification: Uncertain significance for Cryptosporidiosis-chronic cholangitis-liver disease syndrome. Last evaluated: 2022-07-05. Review status: criteria provided, single submitter. Criteria: Invitae Variant Classification Sherloc (09022015). Collection method: clinical testing. Allele origin: germline.
Comment: This sequence change replaces glycine, which is neutral and non-polar, with glutamic acid, which is acidic and polar, at codon 439 of the IL21R protein (p.Gly439Glu). In summary, the available evidence is currently insufficient to determine the role of this variant in disease. Therefore, it has been classified as a Variant of Uncertain Significance. Algorithms developed to predict the effect of missense changes on protein structure and function output the following: SIFT: "Tolerated"; PolyPhen-2: "Benign"; Align-GVGD: "Class C0". The glutamic acid amino acid residue is found in multiple mammalian species, which suggests that this missense change does not adversely affect protein function. ClinVar contains an entry for this variant (Variation ID: 956545). This variant has not been reported in the literature in individuals affected with IL21R-related conditions. This variant is present in population databases (rs199542730, gnomAD 0.003%).